The following is an entry in ClinVar:

ClinVar aggregate classification (germline): Uncertain significance (1 of 4 stars; one submission).

Conditions:
Epileptic encephalopathy. Identifiers: MedGen C0543888, HP:0200134.

gnomAD v4.1: 7 of 1,613,942 alleles (0.00043%); highest among the groups gnomAD compares: Non-Finnish European, 0.00051%; no homozygotes.

Submission:

Labcorp Genetics (formerly Invitae), Labcorp
Classification: Uncertain significance for Epileptic encephalopathy. Last evaluated: 2020-09-10. Review status: criteria provided, single submitter. Criteria: Invitae Variant Classification Sherloc (09022015). Collection method: clinical testing. Allele origin: germline.
Comment: In summary, the available evidence is currently insufficient to determine the role of this variant in disease. Therefore, it has been classified as a Variant of Uncertain Significance. This sequence change replaces asparagine with isoleucine at codon 2042 of the RYR3 protein (p.Asn2042Ile). The asparagine residue is highly conserved and there is a large physicochemical difference between asparagine and isoleucine. This variant is not present in population databases (ExAC no frequency). This variant has not been reported in the literature in individuals with RYR3-related conditions. Algorithms developed to predict the effect of missense changes on protein structure and function are either unavailable or do not agree on the potential impact of this missense change (SIFT: "Deleterious"; PolyPhen-2: "Benign"; Align-GVGD: "Class C55").

NM_001036.6(RYR3):c.6125A>T (p.Asn2042Ile)

Gene: RYR3 (ryanodine receptor 3; plus strand). Cytogenetic location: 15q14.
Variant type: single nucleotide variant.
Coding change: c.6125A>T on transcript NM_001036.6 (MANE Select); coding-DNA position 6125, A replaced by T.
Protein change: p.Asn2042Ile; replaces asparagine 2042 with isoleucine.
Molecular consequence: missense variant.
Genome position (GRCh38, 1-based): chr15:33,696,482, A>T. VCF-style: chr15-33696482-A-T. GRCh37 (hg19) VCF-style: chr15-33988683-A-T.
Other names: c.6125A>T, p.Asn2042Ile (NM_001243996.4); short protein forms N2042I.
Identifiers: ClinVar variation 1059759 (VCV001059759.9), dbSNP rs116926961, ClinGen allele CA391582312.